The following is an entry in ClinVar:

NM_004260.4(RECQL4):c.2170C>T (p.Leu724=)

Gene: RECQL4 (RecQ like helicase 4; minus strand). Cytogenetic location: 8q24.3.
Variant type: single nucleotide variant.
Coding change: c.2170C>T on transcript NM_004260.4 (MANE Select); coding-DNA position 2170, C replaced by T.
Protein change: p.Leu724=; no amino-acid change (leucine 724 retained).
Molecular consequence: synonymous variant.
Genome position (GRCh38, 1-based): chr8:144,513,601, G>A on the plus strand (C>T on the coding strand, the complement: RECQL4 is on the minus strand). VCF-style: chr8-144513601-G-A. GRCh37 (hg19) VCF-style: chr8-145738985-G-A.
Other names: c.2170C>T (NM_004260.3).
Identifiers: ClinVar variation 1083052 (VCV001083052.8), dbSNP rs536831548, ClinGen allele CA463566836.

ClinVar aggregate classification (germline): Likely benign. Review status: criteria provided, multiple submitters, no conflicts (2 of 4 stars). 2 submissions from 2 submitters: Likely benign (2). Last evaluated 2026-07-01.

Conditions:
RECQL4-related disorder. Also called: RECQL4-related disorders; RECQL4-related condition.
Baller-Gerold syndrome (BGS). Also called: CRANIOSYNOSTOSIS WITH RADIAL DEFECTS. Identifiers: Orphanet 1225, MedGen C0265308, MONDO:0009039, OMIM 218600.

gnomAD v4.1: 2 of 1,608,374 alleles (0.00012%); no homozygotes.

Submissions (2):

PreventionGenetics, part of Exact Sciences
Classification: Likely benign for RECQL4-related condition. Last evaluated: 2026-07-01. Review status: criteria provided, single submitter. Criteria: ACMG Guidelines, 2015. Collection method: clinical testing. Allele origin: germline.
Comment: This variant is classified as likely benign based on ACMG/AMP sequence variant interpretation guidelines (Richards et al. 2015 PMID: 25741868, with internal and published modifications).

Labcorp Genetics (formerly Invitae), Labcorp
Classification: Likely benign for Baller-Gerold syndrome. Last evaluated: 2023-11-13. Review status: criteria provided, single submitter. Criteria: Invitae Variant Classification Sherloc (09022015). Collection method: clinical testing. Allele origin: germline.